The following is an entry in ClinVar:

ClinVar aggregate classification (germline): Uncertain significance (1 of 4 stars; one submission).

Conditions:
Bardet-Biedl syndrome (BBS). Identifiers: Orphanet 110, MedGen C0752166, MONDO:0015229.

Allele frequency attached by ClinVar (database versions not stated): gnomAD exomes below 0.00001 and 0.00001; ExAC 0.00001.
gnomAD v4.1: 2 of 1,614,186 alleles (0.00012%); highest among the groups gnomAD compares: East Asian, 0.0045%; no homozygotes.

Submission:

Labcorp Genetics (formerly Invitae), Labcorp
Classification: Uncertain significance for Bardet-Biedl syndrome. Last evaluated: 2021-08-14. Review status: criteria provided, single submitter. Criteria: Invitae Variant Classification Sherloc (09022015). Collection method: clinical testing. Allele origin: germline.
Comment: This sequence change replaces phenylalanine with leucine at codon 333 of the BBS4 protein (p.Phe333Leu). The phenylalanine residue is weakly conserved and there is a small physicochemical difference between phenylalanine and leucine. This variant is present in population databases (rs774619624, ExAC 0.01%). This variant has not been reported in the literature in individuals affected with BBS4-related conditions. Algorithms developed to predict the effect of missense changes on protein structure and function output the following: SIFT: "Tolerated"; PolyPhen-2: "Benign"; Align-GVGD: "Class C0". The leucine amino acid residue is found in multiple mammalian species, which suggests that this missense change does not adversely affect protein function. In summary, the available evidence is currently insufficient to determine the role of this variant in disease. Therefore, it has been classified as a Variant of Uncertain Significance.

NM_033028.5(BBS4):c.999C>G (p.Phe333Leu)

Gene: BBS4 (Bardet-Biedl syndrome 4; plus strand). Cytogenetic location: 15q24.1.
Variant type: single nucleotide variant.
Coding change: c.999C>G on transcript NM_033028.5 (MANE Select); coding-DNA position 999, C replaced by G.
Protein change: p.Phe333Leu; replaces phenylalanine 333 with leucine.
Molecular consequence: missense variant. On other transcripts: non-coding transcript variant (2).
Genome position (GRCh38, 1-based): chr15:72,731,689, C>G. VCF-style: chr15-72731689-C-G. GRCh37 (hg19) VCF-style: chr15-73024030-C-G.
Other names: c.483C>G, p.Phe161Leu (NM_001252678.2); c.930C>G, p.Phe310Leu (NM_001320665.2); short protein forms F310L, F333L, F161L.
Identifiers: ClinVar variation 1480350 (VCV001480350.5), dbSNP rs774619624, ClinGen allele CA7646848.